The following is an entry in ClinVar:

ClinVar aggregate classification (germline): Pathogenic (1 of 4 stars; one submission).

Conditions:
Duchenne muscular dystrophy (DMD). Also called: MUSCULAR DYSTROPHY, PSEUDOHYPERTROPHIC PROGRESSIVE, DUCHENNE TYPE; Duchenne Muscular Dystrophy (DMD). Identifiers: Orphanet 98896, MedGen C0013264, MONDO:0010679, OMIM 310200.

Submission:

Labcorp Genetics (formerly Invitae), Labcorp
Classification: Pathogenic for Duchenne muscular dystrophy. Last evaluated: 2023-04-10. Review status: criteria provided, single submitter. Criteria: Invitae Variant Classification Sherloc (09022015). Collection method: clinical testing. Allele origin: germline.
Comment: For these reasons, this variant has been classified as Pathogenic. This variant has not been reported in the literature in individuals affected with DMD-related conditions. This variant is not present in population databases (gnomAD no frequency). This sequence change creates a premature translational stop signal (p.Pro2860Valfs*3) in the DMD gene. It is expected to result in an absent or disrupted protein product. Loss-of-function variants in DMD are known to be pathogenic (PMID: 16770791, 25007885).

Literature cited by the submitters: PubMed 16770791; PubMed 25007885.

NM_004006.3(DMD):c.8577_8578insGT (p.Pro2860fs)

Gene: DMD (dystrophin; minus strand). Cytogenetic location: Xp21.2.
Variant type: Insertion.
Coding change: c.8577_8578insGT on transcript NM_004006.3 (MANE Select); coding-DNA positions 8577 to 8578, GT inserted.
Protein change: p.Pro2860fs; shifts the reading frame from proline 2860.
Molecular consequence: frameshift variant.
Genome position: GRCh38 VCF-style: chrX-31479073-G-GAC. GRCh37 (hg19) VCF-style: chrX-31497190-G-GAC.
Other names: c.8553_8554insGT, p.Pro2852fs (NM_000109.4); c.8565_8566insGT, p.Pro2856fs (NM_004009.3); c.8208_8209insGT, p.Pro2737fs (NM_004010.3); c.4554_4555insGT, p.Pro1519fs (NM_004011.4); c.4545_4546insGT, p.Pro1516fs (NM_004012.4); c.1197_1198insGT, p.Pro400fs (NM_004013.3, NM_004020.4, NM_004021.3 and 2 more transcripts); c.390_391insGT, p.Pro131fs (NM_004014.3); short protein forms P131fs, P2737fs, P2856fs, P2852fs, P2860fs, P400fs, P1516fs, P1519fs.
Identifiers: ClinVar variation 2854780 (VCV002854780.3), dbSNP rs2525327368, ClinGen allele CA2739268165.
Genomic context (GRCh38, chrX:31,479,073, plus strand): 5'-CTTCCAAAGGCTGCTCTGTCAGAAATATTCGTACAGTCTCAAGAGTACTCATGATTACAG[G>GAC]TTCTTTAGTTTTCAATTCCCTCTTGAAGGCCTGTGAAATGAGATGAAAAGAAGTGCTTAT-3'